The following is an entry in ClinVar:

ClinVar aggregate classification (germline): Uncertain significance. Review status: criteria provided, multiple submitters, no conflicts (2 of 4 stars). 2 submissions from 2 submitters: Uncertain significance (2). Last evaluated 2024-05-29.

Conditions:
Inborn genetic diseases. Identifiers: MedGen C0950123, MeSH D030342.

Allele frequency attached by ClinVar (database versions not stated): gnomAD exomes 0.00005; ExAC 0.00006; ESP Exome Variant Server 0.00008; gnomAD 0.00008; TOPMed 0.00023.
gnomAD v4.1: 102 of 1,613,882 alleles (0.0063%); highest among the groups gnomAD compares: Middle Eastern, 0.05%; no homozygotes.

Submissions (2):

Ambry Genetics
Classification: Uncertain significance for Inborn genetic diseases. Last evaluated: 2024-05-29. Review status: criteria provided, single submitter. Criteria: Ambry Variant Classification Scheme 2023. Collection method: clinical testing. Allele origin: germline.

Labcorp Genetics (formerly Invitae), Labcorp
Classification: Uncertain significance. Last evaluated: 2023-08-30. Review status: criteria provided, single submitter. Criteria: Invitae Variant Classification Sherloc (09022015). Collection method: clinical testing. Allele origin: germline.
Comment: This sequence change replaces threonine, which is neutral and polar, with methionine, which is neutral and non-polar, at codon 163 of the TRPV3 protein (p.Thr163Met). This variant is present in population databases (rs374241773, gnomAD 0.009%). This variant has not been reported in the literature in individuals affected with TRPV3-related conditions. ClinVar contains an entry for this variant (Variation ID: 2078057). An algorithm developed to predict the effect of missense changes on protein structure and function (PolyPhen-2) suggests that this variant is likely to be disruptive. In summary, the available evidence is currently insufficient to determine the role of this variant in disease. Therefore, it has been classified as a Variant of Uncertain Significance.

NM_145068.4(TRPV3):c.488C>T (p.Thr163Met)

Gene: TRPV3 (transient receptor potential cation channel subfamily V member 3; minus strand). Cytogenetic location: 17p13.2.
Variant type: single nucleotide variant.
Coding change: c.488C>T on transcript NM_145068.4 (MANE Select); coding-DNA position 488, C replaced by T.
Protein change: p.Thr163Met; replaces threonine 163 with methionine.
Molecular consequence: missense variant.
Genome position (GRCh38, 1-based): chr17:3,542,677, G>A on the plus strand (C>T on the coding strand, the complement: TRPV3 is on the minus strand). VCF-style: chr17-3542677-G-A. GRCh37 (hg19) VCF-style: chr17-3445971-G-A.
Other names: c.488C>T, p.Thr163Met (NM_001258205.2); c.488C>T (NM_145068.2); short protein forms T163M.
Identifiers: ClinVar variation 2078057 (VCV002078057.3), dbSNP rs374241773, ClinGen allele CA8289827.